The following is an entry in ClinVar:

ClinVar aggregate classification (germline): Uncertain significance. Review status: criteria provided, single submitter (1 of 4 stars). 2 submissions from 2 submitters: Uncertain significance (1). 1 of the submissions does not count toward it. Last evaluated 2021-08-31.

Conditions:
Fanconi anemia (FA). Also called: Fanconi's anemia. Identifiers: Orphanet 84, MedGen C0015625, MeSH D005199, MONDO:0019391.

Allele frequency attached by ClinVar (database versions not stated): gnomAD exomes below 0.00001 and 0.00001; ExAC 0.00001; gnomAD 0.00001; TOPMed 0.00001; ESP Exome Variant Server 0.00008.
gnomAD v4.1: 3 of 1,614,132 alleles (0.00019%); highest among the groups gnomAD compares: South Asian, 0.0011%; no homozygotes.

Submissions (2):

Labcorp Genetics (formerly Invitae), Labcorp
Classification: Uncertain significance for Fanconi anemia. Last evaluated: 2021-08-31. Review status: criteria provided, single submitter. Criteria: Invitae Variant Classification Sherloc (09022015). Collection method: clinical testing. Allele origin: germline.
Comment: This sequence change replaces alanine with valine at codon 1058 of the FANCA protein (p.Ala1058Val). The alanine residue is moderately conserved and there is a small physicochemical difference between alanine and valine. This variant is present in population databases (rs370873098, ExAC 0.002%). This variant has not been reported in the literature in individuals affected with FANCA-related conditions. Algorithms developed to predict the effect of missense changes on protein structure and function are either unavailable or do not agree on the potential impact of this missense change (SIFT: "Tolerated"; PolyPhen-2: "Possibly Damaging"; Align-GVGD: "Class C0"). Algorithms developed to predict the effect of sequence changes on RNA splicing suggest that this variant may create or strengthen a splice site. In summary, the available evidence is currently insufficient to determine the role of this variant in disease. Therefore, it has been classified as a Variant of Uncertain Significance.

Natera, Inc.
Classification: Uncertain significance for Fanconi anemia. Last evaluated: 2020-04-27. Review status: no assertion criteria provided. Collection method: clinical testing. Allele origin: germline. Not counted in ClinVar's aggregate classification.

NM_000135.4(FANCA):c.3173C>T (p.Ala1058Val)

Gene: FANCA (FA complementation group A; minus strand). Cytogenetic location: 16q24.3.
Variant type: single nucleotide variant.
Coding change: c.3173C>T on transcript NM_000135.4 (MANE Select); coding-DNA position 3173, C replaced by T.
Protein change: p.Ala1058Val; replaces alanine 1058 with valine.
Molecular consequence: missense variant.
Genome position (GRCh38, 1-based): chr16:89,749,796, G>A on the plus strand (C>T on the coding strand, the complement: FANCA is on the minus strand). VCF-style: chr16-89749796-G-A. GRCh37 (hg19) VCF-style: chr16-89816204-G-A.
Other names: c.3173C>T, p.Ala1058Val (NM_001286167.3); short protein forms A1058V.
Identifiers: ClinVar variation 966134 (VCV000966134.9), dbSNP rs370873098, ClinGen allele CA8251311.
Genomic context (GRCh38, chr16:89,749,796, plus strand): 5'-TACATTAGCAGCTCCCTCTGTCTCTGAAGGCTGGCAGCCACGCTCCACCCGCTTGTCAGA[G>A]CCTGGAGCCGTCTGCGGAAAATCTCAAAGAGGAAGTGCTCCTGGGAAGGGGTGTGGCCGA-3'
Protein context (NP_000126.2, residues 1048-1068): LFEIFRRRLQ[Ala1058Val]LTSGWSVAAS